The following is an entry in ClinVar:

NM_000287.4(PEX6):c.2167C>G (p.Leu723Val)

Gene: PEX6 (peroxisomal biogenesis factor 6; minus strand). Cytogenetic location: 6p21.1.
Variant type: single nucleotide variant.
Coding change: c.2167C>G on transcript NM_000287.4 (MANE Select); coding-DNA position 2167, C replaced by G.
Protein change: p.Leu723Val; replaces leucine 723 with valine.
Molecular consequence: missense variant.
Genome position (GRCh38, 1-based): chr6:42,966,375, G>C on the plus strand (C>G on the coding strand, the complement: PEX6 is on the minus strand). VCF-style: chr6-42966375-G-C. GRCh37 (hg19) VCF-style: chr6-42934113-G-C.
Other names: c.1903C>G, p.Leu635Val (NM_001316313.2); short protein forms L635V, L723V.
Identifiers: ClinVar variation 1933701 (VCV001933701.2), dbSNP rs1769806880, ClinGen allele CA364152361.

ClinVar aggregate classification (germline): Uncertain significance (1 of 4 stars; one submission).

Conditions:
Peroxisome biogenesis disorder. Identifiers: Orphanet 79189, MedGen C1832200, MONDO:0019234. Disease mechanism: loss of function.

Allele frequency attached by ClinVar (database versions not stated): TOPMed below 0.00001; gnomAD exomes 0.00001.
gnomAD v4.1: 8 of 1,614,078 alleles (0.0005%); highest among the groups gnomAD compares: Non-Finnish European, 0.00068%; no homozygotes.

Submission:

Labcorp Genetics (formerly Invitae), Labcorp
Classification: Uncertain significance for Peroxisome biogenesis disorder. Last evaluated: 2022-08-01. Review status: criteria provided, single submitter. Criteria: Invitae Variant Classification Sherloc (09022015). Collection method: clinical testing. Allele origin: germline.
Comment: This sequence change replaces leucine, which is neutral and non-polar, with valine, which is neutral and non-polar, at codon 723 of the PEX6 protein (p.Leu723Val). This variant is not present in population databases (gnomAD no frequency). This variant has not been reported in the literature in individuals affected with PEX6-related conditions. Algorithms developed to predict the effect of missense changes on protein structure and function are either unavailable or do not agree on the potential impact of this missense change (SIFT: "Tolerated"; PolyPhen-2: "Possibly Damaging"; Align-GVGD: "Class C0"). Algorithms developed to predict the effect of sequence changes on RNA splicing suggest that this variant may create or strengthen a splice site. In summary, the available evidence is currently insufficient to determine the role of this variant in disease. Therefore, it has been classified as a Variant of Uncertain Significance.